The following is an entry in ClinVar:

NM_001035.3(RYR2):c.3226G>A (p.Glu1076Lys)

Gene: RYR2 (ryanodine receptor 2; plus strand). Cytogenetic location: 1q43.
Variant type: single nucleotide variant.
Coding change: c.3226G>A on transcript NM_001035.3 (MANE Select); coding-DNA position 3226, G replaced by A.
Protein change: p.Glu1076Lys; replaces glutamic acid 1076 with lysine.
Molecular consequence: missense variant.
Genome position (GRCh38, 1-based): chr1:237,566,578, G>A. VCF-style: chr1-237566578-G-A. GRCh37 (hg19) VCF-style: chr1-237729878-G-A.
Other names: c.3226G>A, p.Glu1076Lys (LRG_402t1); short protein forms E1076K.
Identifiers: ClinVar variation 629779 (VCV000629779.18), dbSNP rs781547572, ClinGen allele CA086339.

ClinVar aggregate classification (germline): Conflicting classifications of pathogenicity. Review status: criteria provided, conflicting classifications (1 of 4 stars). 5 submissions from 5 submitters: Uncertain significance (4); Likely benign (1). Last evaluated 2026-08-31.

Conditions:
Catecholaminergic polymorphic ventricular tachycardia 1. Also called: RYR2-Related Catecholaminergic Polymorphic Ventricular Tachycardia; VENTRICULAR TACHYCARDIA, CATECHOLAMINERGIC POLYMORPHIC, 1, WITH OR WITHOUT ATRIAL DYSFUNCTION AND/OR DILATED CARDIOMYOPATHY; VENTRICULAR TACHYCARDIA, STRESS-INDUCED POLYMORPHIC 1. Identifiers: Orphanet 3286, MedGen C1631597, MONDO:0011484, OMIM 604772.
Cardiomyopathy (CMYO). Also called: Cardiomyopathies. Identifiers: Orphanet 167848, MedGen C0878544, MONDO:0004994, HP:0001638. Inheritance: Various modes of inheritance.
Catecholaminergic polymorphic ventricular tachycardia (CVPT). Also called: Catecholamine-induced polymorphic ventricular tachycardia. Identifiers: Orphanet 3286, MedGen C5574922, MONDO:0017990.
Cardiovascular phenotype. Identifiers: MedGen CN230736.

Allele frequency attached by ClinVar (database versions not stated): gnomAD 0.00001; ExAC 0.00003; gnomAD exomes 0.00004.
gnomAD v4.1: 29 of 1,613,506 alleles (0.0018%); highest among the groups gnomAD compares: Non-Finnish European, 0.001%; no homozygotes.

Submissions (5):

Ambry Genetics
Classification: Uncertain significance for Cardiovascular phenotype. Last evaluated: 2026-08-31. Review status: criteria provided, single submitter. Criteria: Ambry Variant Classification Scheme 2023. Collection method: clinical testing. Allele origin: germline.
Comment: The p.E1076K variant (also known as c.3226G>A), located in coding exon 28 of the RYR2 gene, results from a G to A substitution at nucleotide position 3226. The glutamic acid at codon 1076 is replaced by lysine, an amino acid with similar properties. This amino acid position is conserved. In addition, the in silico prediction for this alteration is inconclusive. Based on the available evidence, the clinical significance of this variant remains unclear.

Labcorp Genetics (formerly Invitae), Labcorp
Classification: Likely benign for Catecholaminergic polymorphic ventricular tachycardia 1. Last evaluated: 2025-10-29. Review status: criteria provided, single submitter. Criteria: Invitae Variant Classification Sherloc (09022015). Collection method: clinical testing. Allele origin: germline.

GeneDx
Classification: Uncertain significance. Last evaluated: 2025-03-25. Review status: criteria provided, single submitter. Criteria: GeneDx Variant Classification Process June 2021. Collection method: clinical testing. Allele origin: germline. Affected: yes.
Comment: Has not been previously published as pathogenic or benign to our knowledge; In silico analysis indicates that this missense variant does not alter protein structure/function; Not located in one of the three hot-spot regions of the RYR2 gene, where the majority of pathogenic missense variants occur (PMID: 19926015); This variant is associated with the following publications: (PMID: 19926015)

All of Us Research Program, National Institutes of Health
Classification: Uncertain significance for Catecholaminergic polymorphic ventricular tachycardia. Last evaluated: 2024-07-10. Review status: criteria provided, single submitter. Criteria: ACMG Guidelines, 2015. Collection method: clinical testing. Allele origin: germline. Inheritance: Autosomal dominant inheritance. Observed: 6 variant alleles, 6 heterozygotes.
Comment: This missense variant replaces glutamic acid with lysine at codon 1076 of the RYR2 protein. Computational prediction suggests that this variant may not impact protein structure and function (internally defined REVEL score threshold <= 0.5, PMID: 27666373). Splice site prediction tools suggest that this variant may not impact RNA splicing. To our knowledge, functional studies have not been performed for this variant. This variant has not been reported in individuals affected with cardiovascular disorders in the literature. This variant has been identified in 11/248586 chromosomes in the general population by the Genome Aggregation Database (gnomAD). The available evidence is insufficient to determine the role of this variant in disease conclusively. Therefore, this variant is classified as a Variant of Uncertain Significance.

This study involves interpretation of variants in research participants for the purpose of population health screening. Participant phenotype was not available at the time of variant classification. Additional details can be found in publication PMID: 35346344, PMCID: PMC8962531

Color Diagnostics, LLC DBA Color Health
Classification: Uncertain significance for Cardiomyopathy. Last evaluated: 2024-03-06. Review status: criteria provided, single submitter. Criteria: ACMG Guidelines, 2015. Collection method: clinical testing. Allele origin: germline.
Comment: This missense variant replaces glutamic acid with lysine at codon 1076 of the RYR2 protein. Computational prediction suggests that this variant may not impact protein structure and function (internally defined REVEL score threshold <= 0.5, PMID: 27666373). To our knowledge, functional studies have not been reported for this variant. This variant has not been reported in individuals affected with RYR2-related disorders in the literature. This variant has been identified in 11/248586 chromosomes in the general population by the Genome Aggregation Database (gnomAD). The available evidence is insufficient to determine the role of this variant in disease conclusively. Therefore, this variant is classified as a Variant of Uncertain Significance.